The following is an entry in ClinVar:

NM_000089.4(COL1A2):c.964G>A (p.Gly322Ser)

Gene: COL1A2 (collagen type I alpha 2 chain; plus strand). Cytogenetic location: 7q21.3.
Variant type: single nucleotide variant.
Coding change: c.964G>A on transcript NM_000089.4 (MANE Select); coding-DNA position 964, G replaced by A.
Protein change: p.Gly322Ser; replaces glycine 322 with serine.
Molecular consequence: missense variant.
Genome position (GRCh38, 1-based): chr7:94,409,750, G>A. VCF-style: chr7-94409750-G-A. GRCh37 (hg19) VCF-style: chr7-94039062-G-A.
Other names: short protein forms G322S.
Identifiers: ClinVar variation 618023 (VCV000618023.29), dbSNP rs72656394, ClinGen allele CA162920279.

ClinVar aggregate classification (germline): Pathogenic/Likely pathogenic. Review status: criteria provided, multiple submitters, no conflicts (2 of 4 stars). 13 submissions from 13 submitters: Pathogenic (9); Likely pathogenic (4). Last evaluated 2026-06-17.

Conditions:
Ehlers-Danlos syndrome, arthrochalasia type, 2. Also called: EHLERS-DANLOS SYNDROME, TYPE VIIB, AUTOSOMAL DOMINANT. Identifiers: MedGen CN293783, MONDO:0040501, OMIM 617821.
Osteogenesis imperfecta with normal sclerae, dominant form (OI4). Also called: Osteogenesis Imperfecta Type IV; OSTEOGENESIS IMPERFECTA WITH NORMAL SCLERAE; Osteogenesis imperfecta type 4; OSTEOGENESIS IMPERFECTA, TYPE IV, WITH DENTINOGENESIS IMPERFECTA; Common Variable Osteogenesis Imperfecta with Normal Sclerae. Identifiers: Orphanet 216820, Orphanet 666, MedGen C0268363, MONDO:0008148, OMIM 166220.
Ehlers-Danlos syndrome, cardiac valvular type. Identifiers: Orphanet 230851, MedGen C4303789, MONDO:0009159, OMIM 225320.
Osteoporosis. Identifiers: MedGen C0029456, MONDO:0005298, OMIM 166710, HP:0000939.
Osteogenesis imperfecta, perinatal lethal (OI2). Also called: OSTEOGENESIS IMPERFECTA, TYPE II; OI, TYPE II; OSTEOGENESIS IMPERFECTA CONGENITA; Osteogenesis imperfecta, dominant perinatal lethal; VROLIK TYPE OF OSTEOGENESIS IMPERFECTA; Osteogenesis imperfecta type 2. Identifiers: Orphanet 216804, MedGen C0268358, MONDO:0008147, OMIM 166210.
Osteogenesis imperfecta type III (OI3). Also called: Osteogenesis imperfecta type 3; OI type 3; Osteogenesis imperfecta, progressively deforming with normal sclerae; OI type III; Progressively Deforming Osteogenesis Imperfecta. Identifiers: Orphanet 216812, Orphanet 666, MedGen C0268362, MONDO:0009804, OMIM 259420.
Combined osteogenesis imperfecta and Ehlers-Danlos syndrome 2. Also called: OIEDS SYNDROME 2. Identifiers: MedGen C5436847, MONDO:0030855, OMIM 619120.
COL1A2-related disorder. Also called: COL1A2-Related Disorders; COL1A2-related condition.
COL1A2-related osteogenesis imperfecta. Identifiers: MedGen CN379211, MONDO:0100596.
Osteogenesis imperfecta (OI). Identifiers: Orphanet 666, MedGen C0029434, MeSH D010013, MONDO:0019019.
Osteogenesis imperfecta type I (OI1). Also called: OI, TYPE I; Lobstein disease; OSTEOGENESIS IMPERFECTA TARDA; OSTEOGENESIS IMPERFECTA WITH BLUE SCLERAE; Osteogenesis imperfecta type 1; Lobstein's Disease. Identifiers: Orphanet 216796, Orphanet 666, MedGen C0023931, MONDO:0008146, OMIM 166200. Disease mechanism: loss of function.
Ehlers-Danlos syndrome, classic type, 1 (EDSCL1). Also called: EHLERS-DANLOS SYNDROME, GRAVIS TYPE; EHLERS-DANLOS SYNDROME, SEVERE CLASSIC TYPE; Ehlers-Danlos Syndrome, Classic Type, COL5A1-Related; EDS I; Ehlers-Danlos syndrome, type 1. Identifiers: MedGen C0268335, MONDO:0019567, OMIM 130000.
Cardiovascular phenotype. Identifiers: MedGen CN230736.

Allele frequency attached by ClinVar (database versions not stated): gnomAD exomes below 0.00001.

Submissions 1 to 8 of 13:

Ambry Genetics
Classification: Pathogenic for Cardiovascular phenotype. Last evaluated: 2026-06-17. Review status: criteria provided, single submitter. Criteria: Ambry Variant Classification Scheme 2023. Collection method: clinical testing. Allele origin: germline.
Comment: The p.G322S pathogenic mutation (also known as c.964G>A), located in coding exon 19 of the COL1A2 gene, results from a G to A substitution at nucleotide position 964. The glycine at codon 322 is replaced by serine, an amino acid with similar properties. The majority of pathogenic mutations identified to date in COL1A2 have involved the substitution of another amino acid for glycine within the triple-helical domain (Dagleish R. Nucleic Acids Res. 1997 Jan 1;25(1):181-7; Marini JC et al. Hum Mutat. 2007 Mar;28(3):209-21; Bardai G et al. Osteoporos Int 2016 Dec;27(12):3607-3613). This variant was reported in individual(s) with features consistent with COL1A2-related osteogenesis imperfecta/overlap disorder (Hartikka H et al. Hum Mutat, 2004 Aug;24:147-54; Bardai G et al. Osteoporos Int, 2016 Dec;27:3607-3613; Li L et al. Hum Mutat, 2019 May;40:588-600; Aubry-Rozier B et al. Swiss Med Wkly, 2020 Jun;150:w20285; McInerney-Leo AM et al. Bonekey Rep, 2013 Dec;2:456; Mu&ntilde;oz-Miro H et al. Cureus, 2022 Oct;14:e30172; Al Kaissi A et al. Diagnostics (Basel), 2023 Feb;13). Internal structural analysis indicates that this variant disrupts the characteristic G-X-Y motif in the COL1A2 protein and inserts a bulky side chain into a sterically-constrained region (Bella J et al. Science. 1994;266:75-81; Hohenester E et al. Proc. Natl. Acad. Sci. U.S.A. 2008;105:18273-7; Ambry internal data). This missense variant is located in a region that has a low rate of benign missense variation (Lek M et al. Nature. 2016 Aug 18;536(7616):285-91; DECIPHER: Database of Chromosomal Imbalance and Phenotype in Humans using Ensembl Resources. Firth H.V. et al. 2009. Am.J.Hum.Genet. 84, 524-533 (DOI)). This amino acid position is highly conserved in available vertebrate species. In addition, this alteration is predicted to be deleterious by in silico analysis. This variant is considered to be rare based on population cohorts in the Genome Aggregation Database (gnomAD). Based on the supporting evidence, this variant is interpreted as a disease-causing mutation for autosomal dominant COL1A2-related osteogenesis imperfecta/overlap disorder; however, its clinical significance for autosomal recessive COL1A2-related cardiac valvular type Ehlers-Danlos syndrome is uncertain.

MVZ Martinsried, Medicover Genetics
Classification: Pathogenic for Osteogenesis imperfecta type I. Last evaluated: 2026-01-26. Review status: criteria provided, single submitter. Criteria: ACGS Guidelines, 2020. Collection method: clinical testing. Allele origin: unknown. Affected: yes. Observed: 1 heterozygote.

Dasa
Classification: Pathogenic for COL1A2-related osteogenesis imperfecta. Last evaluated: 2026-01-02. Review status: criteria provided, single submitter. Criteria: DASA Assertion Criteria. Collection method: clinical testing. Allele origin: germline.
Comment: NM_000089.4(COL1A2):c.964G>A (p.Gly322Ser) is a missense variant that results in the substitution of glycine with serine. The affected residue or protein region has prior evidence supporting clinical relevance. This variant has been recurrently observed in individuals with COL1A2-related disorders (PMID: 15241796; PMID: 24501682; PMID: 36381796; PMID: 37076969). Also, this variant is rare in population databases. Computational evidence supports a deleterious effect. Based on the currently available evidence, this variant is classified as pathogenic.

Labcorp Genetics (formerly Invitae), Labcorp
Classification: Pathogenic for Osteogenesis imperfecta type I; Ehlers-Danlos syndrome, classic type, 1. Last evaluated: 2025-09-17. Review status: criteria provided, single submitter. Criteria: Invitae Variant Classification Sherloc (09022015). Collection method: clinical testing. Allele origin: germline.
Comment: This sequence change replaces glycine, which is neutral and non-polar, with serine, which is neutral and polar, at codon 322 of the COL1A2 protein (p.Gly322Ser). This variant is not present in population databases (gnomAD no frequency). This missense change has been observed in individuals with osteogenesis imperfecta (PMID: 15241796, 24501682). ClinVar contains an entry for this variant (Variation ID: 618023). Invitae Evidence Modeling of protein sequence and biophysical properties (such as structural, functional, and spatial information, amino acid conservation, physicochemical variation, residue mobility, and thermodynamic stability) indicates that this missense variant is expected to disrupt COL1A2 protein function with a positive predictive value of 95%. This variant disrupts the triple helix domain of COL1A2. Glycine residues within the Gly-Xaa-Yaa repeats of the triple helix domain are required for the structure and stability of fibrillar collagens (PMID: 7695699, 8218237, 19344236). In COL1A2, variants affecting these glycine residues are significantly enriched in individuals with disease (PMID: 9016532, 17078022) compared to the general population (ExAC). For these reasons, this variant has been classified as Pathogenic.

GeneDx
Classification: Pathogenic. Last evaluated: 2025-02-28. Review status: criteria provided, single submitter. Criteria: GeneDx Variant Classification Process June 2021. Collection method: clinical testing. Allele origin: germline.
Comment: Not observed at significant frequency in large population cohorts (gnomAD); In silico analysis supports that this missense variant has a deleterious effect on protein structure/function; Occurs in the triple helical domain and replaces a glycine in a canonical Gly-X-Y repeat; missense substitution of a canonical glycine residue is expected to disrupt normal protein folding and function, and this is an established mechanism of disease (PMID: 34007986); This variant is associated with the following publications: (PMID: 34007986, 36381796, 35909573, 37076969, 37270749, 32667677, 15241796, 36900016, 39156321, 24501682, 30715774)

Fulgent Genetics
Classification: Pathogenic for Osteogenesis imperfecta, perinatal lethal; Osteogenesis imperfecta with normal sclerae, dominant form; Osteoporosis; Ehlers-Danlos syndrome, cardiac valvular type; Osteogenesis imperfecta type III; Ehlers-Danlos syndrome, arthrochalasia type, 2; Combined osteogenesis imperfecta and Ehlers-Danlos syndrome 2. Last evaluated: 2024-04-19. Review status: criteria provided, single submitter. Criteria: ACMG Guidelines, 2015. Collection method: clinical testing. Allele origin: germline.

Women's Health and Genetics/Laboratory Corporation of America, LabCorp
Classification: Pathogenic for Osteogenesis imperfecta. Last evaluated: 2022-07-21. Review status: criteria provided, single submitter. Criteria: LabCorp Variant Classification Summary - May 2015. Collection method: clinical testing. Allele origin: germline.
Comment: Variant summary: COL1A2 c.964G>A (p.Gly322Ser) results in a non-conservative amino acid change in the encoded protein sequence. Five of five in-silico tools predict a damaging effect of the variant on protein function. The variant was absent in 251354 control chromosomes. c.964G>A has been reported in the literature in individuals affected with Osteogenesis Imperfecta. These data indicate that the variant is likely to be associated with disease. To our knowledge, no experimental evidence demonstrating an impact on protein function has been reported. Five clinical diagnostic laboratories have submitted clinical-significance assessments for this variant to ClinVar after 2014 without evidence for independent evaluation. All laboratories classified the variant as pathogenic/likely pathogenic. Based on the evidence outlined above, the variant was classified as pathogenic.

Clinical Genetics Laboratory, Skane University Hospital Lund
Classification: Pathogenic. Last evaluated: 2022-07-13. Review status: criteria provided, single submitter. Criteria: ACMG Guidelines, 2015. Collection method: clinical testing. Allele origin: germline. Affected: yes.